The following is an entry in ClinVar:

NM_000540.3(RYR1):c.10384A>G (p.Asn3462Asp)

Gene: RYR1 (ryanodine receptor 1; plus strand). Cytogenetic location: 19q13.2.
Variant type: single nucleotide variant.
Coding change: c.10384A>G on transcript NM_000540.3 (MANE Select); coding-DNA position 10384, A replaced by G.
Protein change: p.Asn3462Asp; replaces asparagine 3462 with aspartic acid.
Molecular consequence: missense variant.
Genome position (GRCh38, 1-based): chr19:38,523,253, A>G. VCF-style: chr19-38523253-A-G. GRCh37 (hg19) VCF-style: chr19-39013893-A-G.
Other names: c.10384A>G, p.Asn3462Asp (NM_001042723.2); short protein forms N3462D.
Identifiers: ClinVar variation 4975657 (VCV004975657.1).

ClinVar aggregate classification (germline): Uncertain significance (1 of 4 stars; one submission).

Submission:

GeneDx
Classification: Uncertain significance. Last evaluated: 2026-01-29. Review status: criteria provided, single submitter. Criteria: GeneDx Variant Classification Process June 2021. Collection method: clinical testing. Allele origin: germline.
Comment: Not observed at significant frequency in large population cohorts (gnomAD); In silico analysis supports that this missense variant has a deleterious effect on protein structure/function; Has not been previously published as pathogenic or benign to our knowledge